The following is an entry in ClinVar:

ClinVar aggregate classification (germline): Uncertain significance. Review status: criteria provided, multiple submitters, no conflicts (2 of 4 stars). 3 submissions from 3 submitters: Uncertain significance (3). Last evaluated 2025-03-13.

Conditions:
Cardiomyopathy (CMYO). Also called: Cardiomyopathies. Identifiers: Orphanet 167848, MedGen C0878544, MONDO:0004994, HP:0001638. Inheritance: Various modes of inheritance.
Cardiovascular phenotype. Identifiers: MedGen CN230736.
Hypertrophic cardiomyopathy. Also called: HYPERTROPHIC MYOCARDIOPATHY. Identifiers: Orphanet 217569, MedGen C0007194, MeSH D002312, MONDO:0005045, HP:0001639.

Allele frequency attached by ClinVar (database versions not stated): ExAC below 0.00001; gnomAD exomes below 0.00001.
gnomAD v4.1: 2 of 1,607,844 alleles (0.00012%); highest among the groups gnomAD compares: South Asian, 0.0011%; no homozygotes.

Submissions (3):

Ambry Genetics
Classification: Uncertain significance for Cardiovascular phenotype. Last evaluated: 2025-03-13. Review status: criteria provided, single submitter. Criteria: Ambry Variant Classification Scheme 2023. Collection method: clinical testing. Allele origin: germline.
Comment: The p.V1145I variant (also known as c.3433G>A), located in coding exon 31 of the MYBPC3 gene, results from a G to A substitution at nucleotide position 3433. The valine at codon 1145 is replaced by isoleucine, an amino acid with highly similar properties. This amino acid position is conserved. In addition, this alteration is predicted to be tolerated by in silico analysis. Based on the available evidence, the clinical significance of this variant remains unclear.

All of Us Research Program, National Institutes of Health
Classification: Uncertain significance for Hypertrophic cardiomyopathy. Last evaluated: 2024-02-22. Review status: criteria provided, single submitter. Criteria: ACMG Guidelines, 2015. Collection method: clinical testing. Allele origin: germline. Inheritance: Autosomal dominant inheritance. Observed: 2 variant alleles, 2 heterozygotes.
Comment: Variant of Uncertain Significance due to insufficient evidence: This missense variant is located in the fibronectin type 3 domain C9 of the MYBPC3 protein. Computational prediction tools and conservation analyses are inconclusive regarding the impact of this variant on the protein function. Computational splicing tools suggest that this variant may not impact RNA splicing. To our knowledge, functional assays have not been performed for this variant nor has this variant been reported in individuals affected with cardiovascular disorders in the literature. This variant is rare in the general population and has been identified in 0/277264 chromosomes by the Genome Aggregation Database (gnomAD). Available evidence is insufficient to determine the pathogenicity of this variant conclusively.

This study involves interpretation of variants in research participants for the purpose of population health screening. Participant phenotype was not available at the time of variant classification. Additional details can be found in publication PMID: 35346344, PMCID: PMC8962531

Color Diagnostics, LLC DBA Color Health
Classification: Uncertain significance for Cardiomyopathy. Last evaluated: 2023-12-04. Review status: criteria provided, single submitter. Criteria: ACMG Guidelines, 2015. Collection method: clinical testing. Allele origin: germline.
Comment: Variant of Uncertain Significance due to insufficient evidence: This missense variant is located in the fibronectin type 3 domain C9 of the MYBPC3 protein. Computational prediction tools and conservation analyses are inconclusive regarding the impact of this variant on the protein function. Computational splicing tools suggest that this variant may not impact RNA splicing. To our knowledge, functional assays have not been performed for this variant nor has this variant been reported in individuals affected with cardiovascular disorders in the literature. This variant is rare in the general population and has been identified in 0/277264 chromosomes by the Genome Aggregation Database (gnomAD). Available evidence is insufficient to determine the pathogenicity of this variant conclusively.

NM_000256.3(MYBPC3):c.3433G>A (p.Val1145Ile)

Gene: MYBPC3 (myosin binding protein C3; minus strand). Cytogenetic location: 11p11.2.
Variant type: single nucleotide variant.
Coding change: c.3433G>A on transcript NM_000256.3 (MANE Select); coding-DNA position 3433, G replaced by A.
Protein change: p.Val1145Ile; replaces valine 1145 with isoleucine.
Molecular consequence: missense variant.
Genome position (GRCh38, 1-based): chr11:47,332,871, C>T on the plus strand (G>A on the coding strand, the complement: MYBPC3 is on the minus strand). VCF-style: chr11-47332871-C-T. GRCh37 (hg19) VCF-style: chr11-47354422-C-T.
Other names: c.3433G>A, p.Val1145Ile (LRG_386t1); short protein forms V1145I.
Identifiers: ClinVar variation 629726 (VCV000629726.7), dbSNP rs747606711, ClinGen allele CA079362.
Genomic context (GRCh38, chr11:47,332,871, plus strand): 5'-CACCTGGTCTGGGGATAAAGACGGGCTCCTTGGTGGTGGCCGCTCTGTCACTAAAGCCAA[C>T]CATATTCTGGCTGAAGACGCGGAAGTAGTAGCCATTGCCAATGATGAGCTCTGGCACCAC-3'
Protein context (NP_000247.2, residues 1135-1155): YYFRVFSQNM[Val1145Ile]GFSDRAATTK